The following is an entry in ClinVar:

ClinVar aggregate classification (germline): Pathogenic (1 of 4 stars; one submission).

Submission:

Labcorp Genetics (formerly Invitae), Labcorp
Classification: Pathogenic. Last evaluated: 2023-07-16. Review status: criteria provided, single submitter. Criteria: Invitae Variant Classification Sherloc (09022015). Collection method: clinical testing. Allele origin: germline.
Comment: For these reasons, this variant has been classified as Pathogenic. This variant has not been reported in the literature in individuals affected with DMXL2-related conditions. This variant is not present in population databases (gnomAD no frequency). This sequence change creates a premature translational stop signal (p.Asn820*) in the DMXL2 gene. It is expected to result in an absent or disrupted protein product. Loss-of-function variants in DMXL2 are known to be pathogenic (PMID: 30237576, 31688942).

Literature cited by the submitters: PubMed 30237576; PubMed 31688942.

NM_001378457.1(DMXL2):c.2457dup (p.Asn820Ter)

Gene: DMXL2 (Dmx like 2; minus strand). Cytogenetic location: 15q21.2.
Variant type: Duplication.
Coding change: c.2457dup on transcript NM_001378457.1 (MANE Select); coding-DNA position 2457, one base duplicated (T; older notation c.2457dupT).
Protein change: p.Asn820Ter; replaces asparagine 820 with a stop codon.
Molecular consequence: nonsense. On other transcripts: non-coding transcript variant (2).
Genome position (GRCh38, 1-based): chr15:51,517,147, A duplicated on the plus strand (T on the coding strand, the reverse complement: DMXL2 is on the minus strand); the first of 3 consecutive A bases (chr15:51,517,147-51,517,149); duplicating any one gives the same sequence. VCF-style (leftmost placement, unchanged base first): chr15-51517146-T-TA. GRCh37 (hg19) VCF-style: chr15-51809343-T-TA.
Other names: c.2457dup, p.Asn820Ter (NM_001378459.1, NM_001378460.1, NM_001378461.1 and 6 more transcripts); c.2217dup, p.Asn740Ter (NM_001378464.1); short protein forms N740*, N820*.
Identifiers: ClinVar variation 2743898 (VCV002743898.3), dbSNP rs2548554154, ClinGen allele CA2697549093.